The following is an entry in ClinVar:

ClinVar aggregate classification (germline): Uncertain significance. Review status: criteria provided, multiple submitters, no conflicts (2 of 4 stars). 2 submissions from 2 submitters: Uncertain significance (2). Last evaluated 2025-06-12.

Conditions:
Developmental delay, hypotonia, musculoskeletal defects, and behavioral abnormalities. Identifiers: MedGen C5562012, MONDO:0859202, OMIM 619595.
Floating-Harbor syndrome (FLHS). Also called: SRCAP-Related Floating-Harbor Syndrome; Short stature with delayed bone age, expressive language delay, a triangular face with a prominent nose and deep-set eyes; Pelletier-Leisti syndrome. Identifiers: Orphanet 2044, MedGen C0729582, MONDO:0007621, OMIM 136140.

Submissions (2):

Labcorp Genetics (formerly Invitae), Labcorp
Classification: Uncertain significance. Last evaluated: 2025-06-12. Review status: criteria provided, single submitter. Criteria: Invitae Variant Classification Sherloc (09022015). Collection method: clinical testing. Allele origin: germline.
Comment: This variant, c.8309_8311del, results in the deletion of 1 amino acid(s) of the SRCAP protein (p.Gln2770del), but otherwise preserves the integrity of the reading frame. This variant is present in population databases (rs760604791, gnomAD 0.02%). This variant has not been reported in the literature in individuals affected with SRCAP-related conditions. Experimental studies and prediction algorithms are not available or were not evaluated, and the functional significance of this variant is currently unknown. In summary, the available evidence is currently insufficient to determine the role of this variant in disease. Therefore, it has been classified as a Variant of Uncertain Significance.

Fulgent Genetics
Classification: Uncertain significance for Floating-Harbor syndrome; Developmental delay, hypotonia, musculoskeletal defects, and behavioral abnormalities. Last evaluated: 2024-05-07. Review status: criteria provided, single submitter. Criteria: ACMG Guidelines, 2015. Collection method: clinical testing. Allele origin: germline.

NM_006662.3(SRCAP):c.8306AGC[1] (p.Gln2770del)

Gene: SRCAP (Snf2 related CREBBP activator protein; plus strand). Cytogenetic location: 16p11.2.
Variant type: Microsatellite.
Coding change: c.8306AGC[1] on transcript NM_006662.3 (MANE Select); one copy of the 3-base unit AGC starting at c.8306; the reference has two copies in a row; one copy, 3 bases deleted; also written c.8309_8311del.
Protein change: p.Gln2770del; deletes glutamine 2770.
Genome position (GRCh38, 1-based): chr16:30,738,349-30,738,351, AGC deleted; deleting any 3 consecutive bases within chr16:30,738,344-30,738,351 gives the same sequence; the position shown is the placement nearest the transcript's 3' end. VCF-style (leftmost placement, unchanged base first): chr16-30738343-GGCA-G. GRCh37 (hg19) VCF-style: chr16-30749664-GGCA-G.
Other names: c.8309_8311del (NM_006662.3); short protein forms Q2770del.
Identifiers: ClinVar variation 3580232 (VCV003580232.3).